The following is an entry in ClinVar:

ClinVar aggregate classification (germline): Uncertain significance (1 of 4 stars; one submission).

Conditions:
Developmental and epileptic encephalopathy, 23 (DEE23). Also called: Epileptic encephalopathy, early infantile, 23. Identifiers: Orphanet 411986, MedGen C4014492, MONDO:0014371, OMIM 615859.

Allele frequency attached by ClinVar (database versions not stated): TOPMed 0.00001; gnomAD 0.00001; gnomAD exomes 0.00001; ExAC 0.00002.
gnomAD v4.1: 18 of 1,612,794 alleles (0.0011%); highest among the groups gnomAD compares: Admixed American, 0.0017%; no homozygotes.

Submission:

Labcorp Genetics (formerly Invitae), Labcorp
Classification: Uncertain significance for Developmental and epileptic encephalopathy, 23. Last evaluated: 2022-08-16. Review status: criteria provided, single submitter. Criteria: Invitae Variant Classification Sherloc (09022015). Collection method: clinical testing. Allele origin: germline.
Comment: This sequence change replaces serine, which is neutral and polar, with asparagine, which is neutral and polar, at codon 1158 of the DOCK7 protein (p.Ser1158Asn). This variant is present in population databases (rs759185438, gnomAD 0.002%). This variant has not been reported in the literature in individuals affected with DOCK7-related conditions. ClinVar contains an entry for this variant (Variation ID: 838969). Algorithms developed to predict the effect of missense changes on protein structure and function (SIFT, PolyPhen-2, Align-GVGD) all suggest that this variant is likely to be tolerated. In summary, the available evidence is currently insufficient to determine the role of this variant in disease. Therefore, it has been classified as a Variant of Uncertain Significance.

NM_001367561.1(DOCK7):c.3473G>A (p.Ser1158Asn)

Gene: DOCK7 (dedicator of cytokinesis 7; minus strand). Cytogenetic location: 1p31.3.
Variant type: single nucleotide variant.
Coding change: c.3473G>A on transcript NM_001367561.1 (MANE Select); coding-DNA position 3473, G replaced by A.
Protein change: p.Ser1158Asn; replaces serine 1158 with asparagine.
Molecular consequence: missense variant.
Genome position (GRCh38, 1-based): chr1:62,535,631, C>T on the plus strand (G>A on the coding strand, the complement: DOCK7 is on the minus strand). VCF-style: chr1-62535631-C-T. GRCh37 (hg19) VCF-style: chr1-63001302-C-T.
Other names: c.3473G>A, p.Ser1158Asn (NM_001271999.2, NM_001330614.2); c.3380G>A, p.Ser1127Asn (NM_001272000.2, NM_001272001.2, NM_033407.4); short protein forms S1127N, S1158N.
Identifiers: ClinVar variation 838969 (VCV000838969.7), dbSNP rs759185438, ClinGen allele CA885979.